The following is an entry in ClinVar:

NM_138387.4(G6PC3):c.976G>A (p.Ala326Thr)

Gene: G6PC3 (glucose-6-phosphatase catalytic subunit 3; plus strand). Cytogenetic location: 17q21.31.
Variant type: single nucleotide variant.
Coding change: c.976G>A on transcript NM_138387.4 (MANE Select); coding-DNA position 976, G replaced by A.
Protein change: p.Ala326Thr; replaces alanine 326 with threonine.
Molecular consequence: missense variant. On other transcripts: 3 prime UTR variant (1).
Genome position (GRCh38, 1-based): chr17:44,075,978, G>A. VCF-style: chr17-44075978-G-A. GRCh37 (hg19) VCF-style: chr17-42153346-G-A.
Other names: c.*269G>A (NM_001319945.2); c.631G>A, p.Ala211Thr (NM_001384165.1, NM_001384166.1, NM_001384167.1 and 1 more transcripts); short protein forms A211T, A326T.
Identifiers: ClinVar variation 3852351 (VCV003852351.1).

ClinVar aggregate classification (germline): Uncertain significance (1 of 4 stars; one submission).

Conditions:
Inborn genetic diseases. Identifiers: MedGen C0950123, MeSH D030342.

Submission:

Ambry Genetics
Classification: Uncertain significance for Inborn genetic diseases. Last evaluated: 2025-01-20. Review status: criteria provided, single submitter. Criteria: Ambry Variant Classification Scheme 2023. Collection method: clinical testing. Allele origin: germline.
Comment: The p.A326T variant (also known as c.976G>A), located in coding exon 6 of the G6PC3 gene, results from a G to A substitution at nucleotide position 976. The alanine at codon 326 is replaced by threonine, an amino acid with similar properties. This amino acid position is conserved. In addition, this alteration is predicted to be tolerated by in silico analysis. Based on the available evidence, the clinical significance of this variant remains unclear.